The following is an entry in ClinVar:

NM_173354.5(SIK1):c.1939G>A (p.Gly647Ser)

Gene: SIK1 (salt inducible kinase 1; minus strand). Cytogenetic location: 21q22.3.
Variant type: single nucleotide variant.
Coding change: c.1939G>A on transcript NM_173354.5 (MANE Select); coding-DNA position 1939, G replaced by A.
Protein change: p.Gly647Ser; replaces glycine 647 with serine.
Molecular consequence: missense variant.
Genome position (GRCh38, 1-based): chr21:43,417,580, C>T on the plus strand (G>A on the coding strand, the complement: SIK1 is on the minus strand). VCF-style: chr21-43417580-C-T. GRCh37 (hg19) VCF-style: chr21-44837460-C-T.
Other names: short protein forms G647S.
Identifiers: ClinVar variation 1034884 (VCV001034884.9), dbSNP rs1400394036, ClinGen allele CA410607002.

ClinVar aggregate classification (germline): Uncertain significance (1 of 4 stars; one submission).

Conditions:
Developmental and epileptic encephalopathy, 30 (DEE30). Also called: Epileptic encephalopathy, early infantile, 30. Identifiers: MedGen C4225360, MONDO:0014595, OMIM 616341.

Submission:

Labcorp Genetics (formerly Invitae), Labcorp
Classification: Uncertain significance for Developmental and epileptic encephalopathy, 30. Last evaluated: 2023-01-05. Review status: criteria provided, single submitter. Criteria: Invitae Variant Classification Sherloc (09022015). Collection method: clinical testing. Allele origin: germline.
Comment: This sequence change replaces glycine, which is neutral and non-polar, with serine, which is neutral and polar, at codon 647 of the SIK1 protein (p.Gly647Ser). In summary, the available evidence is currently insufficient to determine the role of this variant in disease. Therefore, it has been classified as a Variant of Uncertain Significance. Advanced modeling of protein sequence and biophysical properties (such as structural, functional, and spatial information, amino acid conservation, physicochemical variation, residue mobility, and thermodynamic stability) performed at Invitae indicates that this missense variant is not expected to disrupt SIK1 protein function. ClinVar contains an entry for this variant (Variation ID: 1034884). This variant has not been reported in the literature in individuals affected with SIK1-related conditions. This variant is not present in population databases (gnomAD no frequency).